The following is an entry in ClinVar:

ClinVar aggregate classification (germline): Uncertain significance (1 of 4 stars; one submission).

Conditions:
Hearing loss, autosomal dominant 80. Also called: DEAFNESS, AUTOSOMAL DOMINANT 80. Identifiers: MedGen C5543289, MONDO:0030998, OMIM 619274.
Renal hypodysplasia/aplasia 3 (RHDA3). Identifiers: MedGen C4540497, MONDO:0024520, OMIM 617805.

Submission:

Juno Genomics, Hangzhou Juno Genomics, Inc
Classification: Uncertain significance for Hearing loss, autosomal dominant 80; Renal hypodysplasia/aplasia 3. Review status: criteria provided, single submitter. Criteria: ACMG Guidelines, 2015. Collection method: clinical testing. Allele origin: germline.
Comment: Absent from controls (or at extremely low frequency if recessive) in Genome Aggregation Database.;Missense variant in a gene that has a low rate of benign missense variation.;Multiple lines of computational evidence suggest no impact on gene or gene product.

NM_001142966.3(GREB1L):c.1664T>C (p.Val555Ala)

Genes: GREB1L (GREB1 like retinoic acid receptor coactivator; plus strand), GREB1L-AS1 (GREB1L antisense RNA 1; minus strand). Cytogenetic location: 18q11.1.
Variant type: single nucleotide variant.
Coding change: c.1664T>C on transcript NM_001142966.3 (MANE Select); coding-DNA position 1664, T replaced by C.
Protein change: p.Val555Ala; replaces valine 555 with alanine.
Molecular consequence: missense variant. On other transcripts: intron variant (1).
Genome position (GRCh38, 1-based): chr18:21,449,780, T>C. VCF-style: chr18-21449780-T-C. GRCh37 (hg19) VCF-style: chr18-19029741-T-C.
Other names: c.1793T>C, p.Val598Ala (NM_001410867.1); c.1394-1243T>C (NM_001410868.1); short protein forms V555A, V598A.
Identifiers: ClinVar variation 5005863 (VCV005005863.2).